The following is an entry in ClinVar:

NM_001042492.3(NF1):c.8423_8424delinsTC (p.Cys2808Phe)

Gene: NF1 (neurofibromin 1; plus strand). Cytogenetic location: 17q11.2.
Variant type: Indel.
Coding change: c.8423_8424delinsTC on transcript NM_001042492.3 (MANE Select); coding-DNA positions 8423 to 8424, GT replaced by TC.
Protein change: p.Cys2808Phe; replaces cysteine 2808 with phenylalanine.
Molecular consequence: missense variant.
Genome position (GRCh38, 1-based): chr17:31,374,058-31,374,059, GT replaced by TC. VCF-style: chr17-31374058-GT-TC. GRCh37 (hg19) VCF-style: chr17-29701076-GT-TC.
Other names: c.8360_8361delGTinsTC (NM_000267.3); c.8360_8361delGTinsTC, p.Cys2787Phe (NM_000267.4); short protein forms C2787F, C2808F.
Identifiers: ClinVar variation 1763089 (VCV001763089.2), dbSNP rs2508877603, ClinGen allele CA2580093047.

ClinVar aggregate classification (germline): Uncertain significance (1 of 4 stars; one submission).

Conditions:
Cardiovascular phenotype. Identifiers: MedGen CN230736.
Hereditary cancer-predisposing syndrome. Also called: Neoplastic Syndromes, Hereditary; Tumor predisposition; Hereditary Cancer Syndrome; Hereditary neoplastic syndrome. Identifiers: Orphanet 140162, MedGen C0027672, MeSH D009386, MONDO:0015356.

Submission:

Ambry Genetics
Classification: Uncertain significance for Cardiovascular phenotype; Hereditary cancer-predisposing syndrome. Last evaluated: 2022-06-04. Review status: criteria provided, single submitter. Criteria: Ambry Variant Classification Scheme 2023. Collection method: clinical testing. Allele origin: germline.
Comment: The c.8360_8361delGTinsTC variant (also known as p.C2787F), located in coding exon 57 of the NF1 gene, results from an in-frame deletion of GT and insertion of TC at nucleotide positions 8360 to 8361. This results in the substitution of the cysteine residue for a phenylalanine residue at codon 2787, an amino acid with highly dissimilar properties. This amino acid position is not well conserved in available vertebrate species. In addition, this alteration is predicted to be neutral by in silico analysis (Choi Y et al. PLoS ONE. 2012; 7(10):e46688). Since supporting evidence is limited at this time, the clinical significance of this alteration remains unclear.